The following is an entry in ClinVar:

NM_000260.4(MYO7A):c.1202_1219delinsA (p.Gly401fs)

Gene: MYO7A (myosin VIIA; plus strand). Cytogenetic location: 11q13.5.
Variant type: Indel.
Coding change: c.1202_1219delinsA on transcript NM_000260.4 (MANE Select); coding-DNA positions 1202 to 1219, GGATCTACGGGCGGCTGT replaced by A.
Protein change: p.Gly401fs; shifts the reading frame from glycine 401.
Molecular consequence: frameshift variant.
Genome position (GRCh38, 1-based): chr11:77,160,974-77,160,991, GGATCTACGGGCGGCTGT replaced by A. VCF-style: chr11-77160974-GGATCTACGGGCGGCTGT-A. GRCh37 (hg19) VCF-style: chr11-76872020-GGATCTACGGGCGGCTGT-A.
Other names: c.1202_1219delinsA, p.Gly401fs (NM_001127180.2); c.1169_1186delinsA, p.Gly390fs (NM_001369365.1); short protein forms G390fs, G401fs.
Identifiers: ClinVar variation 5012483 (VCV005012483.1).
Genomic context (GRCh38, chr11:77,160,974, plus strand): 5'-CTGGCCTGTCCCCCGGGGGAGGGTGTGGCTGGTGCCAGTGGCTGATCACTGCCTTTCAGG[GGATCTACGGGCGGCTGT>A]TCGTGTGGATTGTGGACAAGATCAACGCAGCAATTTACAAGCCTCCCTCCCAGGATGTGA-3'

ClinVar aggregate classification (germline): Pathogenic (1 of 4 stars; one submission).

Conditions:
Usher syndrome type 1 (USH1). Also called: RETINITIS PIGMENTOSA AND CONGENITAL DEAFNESS. Identifiers: Orphanet 231169, Orphanet 886, MedGen C1568247, MONDO:0010168, OMIM 276900.

Submission:

Myriad Genetics, Inc.
Classification: Pathogenic for Usher syndrome type 1. Last evaluated: 2023-11-14. Review status: criteria provided, single submitter. Criteria: Myriad Autosomal Dominant, Autosomal Recessive and X-Linked Classification Criteria (2023). Collection method: clinical testing. Allele origin: unknown.
Comment: NM_000260.3(MYO7A):c.1202_1219del18ins1(G401Dfs*36) is expected to be pathogenic in the context of MYO7A-related disorders. This variant is predicted to lead to an abnormal or absent protein product due to the creation of a premature termination codon in MYO7A, a gene where loss-of-function variants are known to be pathogenic. Please note: this variant was assessed in the context of healthy population screening.